The following is an entry in ClinVar:

NM_004385.5(VCAN):c.6898G>A (p.Asp2300Asn)

Genes: VCAN (versican; plus strand), VCAN-AS1 (VCAN antisense RNA 1; minus strand). Cytogenetic location: 5q14.3.
Variant type: single nucleotide variant.
Coding change: c.6898G>A on transcript NM_004385.5 (MANE Select); coding-DNA position 6898, G replaced by A.
Protein change: p.Asp2300Asn; replaces aspartic acid 2300 with asparagine.
Molecular consequence: missense variant. On other transcripts: intron variant (2).
Genome position (GRCh38, 1-based): chr5:83,539,901, G>A. VCF-style: chr5-83539901-G-A. GRCh37 (hg19) VCF-style: chr5-82835720-G-A.
Other names: c.3937G>A, p.Asp1313Asn (NM_001164097.2); c.4004-5636G>A (NM_001164098.2); c.1043-5636G>A (NM_001126336.3); c.6898G>A (NM_004385.4); short protein forms D1313N, D2300N.
Identifiers: ClinVar variation 1391247 (VCV001391247.8), dbSNP rs761883659, ClinGen allele CA3333544.

ClinVar aggregate classification (germline): Conflicting classifications of pathogenicity. Review status: criteria provided, conflicting classifications (1 of 4 stars). 3 submissions from 3 submitters: Uncertain significance (2); Benign (1). Last evaluated 2025-10-26.

Conditions:
Inborn genetic diseases. Identifiers: MedGen C0950123, MeSH D030342.

Allele frequency attached by ClinVar (database versions not stated): ExAC 0.00001; gnomAD exomes 0.00001 and 0.00004; TOPMed 0.00011; gnomAD 0.00012 and 0.00013.

Submissions (3):

Labcorp Genetics (formerly Invitae), Labcorp
Classification: Uncertain significance. Last evaluated: 2025-10-26. Review status: criteria provided, single submitter. Criteria: Invitae Variant Classification Sherloc (09022015). Collection method: clinical testing. Allele origin: germline.
Comment: This sequence change replaces aspartic acid, which is acidic and polar, with asparagine, which is neutral and polar, at codon 2300 of the VCAN protein (p.Asp2300Asn). This variant is present in population databases (rs761883659, gnomAD 0.03%). This variant has not been reported in the literature in individuals affected with VCAN-related conditions. ClinVar contains an entry for this variant (Variation ID: 1391247). An algorithm developed to predict the effect of missense changes on protein structure and function (PolyPhen-2) suggests that this variant is likely to be tolerated. In summary, the available evidence is currently insufficient to determine the role of this variant in disease. Therefore, it has been classified as a Variant of Uncertain Significance.

Ambry Genetics
Classification: Uncertain significance for Inborn genetic diseases. Last evaluated: 2024-01-23. Review status: criteria provided, single submitter. Criteria: Ambry Variant Classification Scheme 2023. Collection method: clinical testing. Allele origin: germline.

Blueprint Genetics
Classification: Benign. Last evaluated: 2023-10-18. Review status: criteria provided, single submitter. Criteria: ACMG Guidelines, 2015. Collection method: clinical testing. Allele origin: germline.